The following is an entry in ClinVar:

NM_000465.4(BARD1):c.175G>C (p.Glu59Gln)

Gene: BARD1 (BRCA1 associated RING domain 1; minus strand). Cytogenetic location: 2q35.
Variant type: single nucleotide variant.
Coding change: c.175G>C on transcript NM_000465.4 (MANE Select); coding-DNA position 175, G replaced by C.
Protein change: p.Glu59Gln; replaces glutamic acid 59 with glutamine.
Molecular consequence: missense variant. On other transcripts: non-coding transcript variant (2), intron variant (2).
Genome position (GRCh38, 1-based): chr2:214,797,101, C>G on the plus strand (G>C on the coding strand, the complement: BARD1 is on the minus strand). VCF-style: chr2-214797101-C-G. GRCh37 (hg19) VCF-style: chr2-215661825-C-G.
Other names: c.175G>C, p.Glu59Gln (NM_001282545.2, NM_001282549.2); c.158+12311G>C (NM_001282548.2); c.159-4656G>C (NM_001282543.2); c.175G>C (NM_000465.2); short protein forms E59Q.
Identifiers: ClinVar variation 1050218 (VCV001050218.16), dbSNP rs1559441880, ClinGen allele CA350462296.

ClinVar aggregate classification (germline): Uncertain significance. Review status: criteria provided, multiple submitters, no conflicts (2 of 4 stars). 4 submissions from 4 submitters: Uncertain significance (3). 1 of the submissions does not count toward it. Last evaluated 2025-06-19.

Conditions:
Hereditary cancer-predisposing syndrome. Also called: Tumor predisposition; Hereditary neoplastic syndrome; Hereditary Cancer Syndrome; Neoplastic Syndromes, Hereditary. Identifiers: Orphanet 140162, MedGen C0027672, MeSH D009386, MONDO:0015356.
Malignant tumor of breast. Also called: Malignant breast neoplasm; Cancer breast. Identifiers: MedGen C0006142, MONDO:0007254. Disease mechanism: loss of function.
Familial cancer of breast. Also called: BREAST CANCER, FAMILIAL; Hereditary breast cancer; hereditary breast carcinoma. Identifiers: Orphanet 227535, MedGen C0346153, MONDO:0016419, OMIM 114480. Disease mechanism: loss of function.

Submissions (4):

Ambry Genetics
Classification: Uncertain significance for Hereditary cancer-predisposing syndrome. Last evaluated: 2025-06-19. Review status: criteria provided, single submitter. Criteria: Ambry Variant Classification Scheme 2023. Collection method: clinical testing. Allele origin: germline.

Color Diagnostics, LLC DBA Color Health
Classification: Uncertain significance for Hereditary cancer-predisposing syndrome. Last evaluated: 2023-02-06. Review status: criteria provided, single submitter. Criteria: ACMG Guidelines, 2015. Collection method: clinical testing. Allele origin: germline.
Comment: This missense variant replaces glutamic acid with glutamine at codon 59 of the BARD1 protein. Computational prediction suggests that this variant may not impact protein structure and function (internally defined REVEL score threshold <= 0.5, PMID: 27666373). To our knowledge, functional studies have not been reported for this variant. This variant has not been reported in individuals affected with hereditary cancer in the literature. This variant has not been identified in the general population by the Genome Aggregation Database (gnomAD). The available evidence is insufficient to determine the role of this variant in disease conclusively. Therefore, this variant is classified as a Variant of Uncertain Significance.

Labcorp Genetics (formerly Invitae), Labcorp
Classification: Uncertain significance for Familial cancer of breast. Last evaluated: 2021-04-17. Review status: criteria provided, single submitter. Criteria: Invitae Variant Classification Sherloc (09022015). Collection method: clinical testing. Allele origin: germline.
Comment: This sequence change replaces glutamic acid with glutamine at codon 59 of the BARD1 protein (p.Glu59Gln). The glutamic acid residue is highly conserved and there is a small physicochemical difference between glutamic acid and glutamine. This variant is not present in population databases (ExAC no frequency). This variant has not been reported in the literature in individuals with BARD1-related conditions. Algorithms developed to predict the effect of missense changes on protein structure and function are either unavailable or do not agree on the potential impact of this missense change (SIFT: "Deleterious"; PolyPhen-2: "Possibly Damaging"; Align-GVGD: "Class C0"). In summary, the available evidence is currently insufficient to determine the role of this variant in disease. Therefore, it has been classified as a Variant of Uncertain Significance.

Department of Pathology and Laboratory Medicine, Sinai Health System
Classification: Uncertain significance for Malignant tumor of breast. Review status: no assertion criteria provided. Collection method: clinical testing. Allele origin: unknown. Affected: yes. Study: The Canadian Open Genetics Repository (COGR). Not counted in ClinVar's aggregate classification.
Comment: The BARD1 p.Glu59Gln variant was not identified in the literature nor was it identified in the following databases: dbSNP, ClinVar, COSMIC, MutDB, Zhejiang Colon Cancer Database, the 1000 Genomes Project, the NHLBI GO Exome Sequencing Project, the Exome Aggregation Consortium (August 8th 2016), or the Genome Aggregation Database (Feb 27, 2017). The p.Glu59Gln residue is conserved in mammals and computational analyses (PolyPhen-2, SIFT, AlignGVGD, BLOSUM, MutationTaster) provide inconsistent predictions regarding the impact to the protein; this information is not very predictive of pathogenicity. The variant occurs outside of the splicing consensus sequence and 2 of 5 in silico or computational prediction software programs (SpliceSiteFinder, MaxEntScan, NNSPLICE, GeneSplicer, HumanSpliceFinder) predict a greater than 10% difference in splicing; this is not very predictive of pathogenicity. In summary, based on the above information the clinical significance of this variant cannot be determined with certainty at this time. This variant is classified as a variant of uncertain significance.